The following is an entry in ClinVar:

NM_001243133.2(NLRP3):c.2611G>A (p.Ala871Thr)

Gene: NLRP3 (NLR family pyrin domain containing 3; plus strand). Cytogenetic location: 1q44.
Variant type: single nucleotide variant.
Coding change: c.2611G>A on transcript NM_001243133.2 (MANE Select); coding-DNA position 2611, G replaced by A.
Protein change: p.Ala871Thr; replaces alanine 871 with threonine.
Molecular consequence: missense variant. On other transcripts: intron variant (2).
Genome position (GRCh38, 1-based): chr1:247,436,088, G>A. VCF-style: chr1-247436088-G-A. GRCh37 (hg19) VCF-style: chr1-247599390-G-A.
Other names: c.2611G>A, p.Ala871Thr (NM_001079821.3); c.2440G>A, p.Ala814Thr (NM_001127462.3); c.2617G>A, p.Ala873Thr (NM_004895.5); c.2492+1815G>A (NM_001127461.3); c.2321+1815G>A (NM_183395.3); short protein forms A873T, A871T, A814T.
Identifiers: ClinVar variation 234304 (VCV000234304.12), dbSNP rs201867582, ClinGen allele CA1495309.

ClinVar aggregate classification (germline): Conflicting classifications of pathogenicity. Review status: criteria provided, conflicting classifications (1 of 4 stars). 4 submissions from 4 submitters: Uncertain significance (1); Likely benign (3). Last evaluated 2025-08-11.

Conditions:
Familial amyloid nephropathy with urticaria AND deafness (MWS). Also called: MUCKLE-WELLS SYNDROME; Urticaria, deafness and amyloidosis; CRYOPYRIN-ASSOCIATED PERIODIC SYNDROME 2; UDA SYNDROME; URTICARIA-DEAFNESS-AMYLOIDOSIS SYNDROME. Identifiers: Orphanet 575, MedGen C0268390, MONDO:0008633, OMIM 191900.
Familial cold autoinflammatory syndrome 1 (FCAS1). Also called: CRYOPYRIN-ASSOCIATED PERIODIC SYNDROME 1; Familial cold inflammatory syndrome 1. Identifiers: Orphanet 47045, MedGen C4551895, MONDO:0007349, OMIM 120100.
Chronic infantile neurological, cutaneous and articular syndrome (CINCA). Also called: Prieur Griscelli syndrome; CRYOPYRIN-ASSOCIATED PERIODIC SYNDROME 3; CINCA syndrome; CHRONIC NEUROLOGIC CUTANEOUS AND ARTICULAR SYNDROME. Identifiers: Orphanet 1451, MedGen C0409818, MONDO:0011776, OMIM 607115.
Keratitis fugax hereditaria. Also called: KERATOENDOTHELIITIS FUGAX HEREDITARIA. Identifiers: Orphanet 647815, MedGen C1835697, MONDO:0007849, OMIM 148200.
Hearing loss, autosomal dominant 34, with or without inflammation. Also called: DEAFNESS, AUTOSOMAL DOMINANT 34, WITH OR WITHOUT INFLAMMATION. Identifiers: MedGen C4521680, MONDO:0033261, OMIM 617772.
Cryopyrin associated periodic syndrome (CAPS). Identifiers: Orphanet 208650, MedGen C2316212, MONDO:0016168.

Allele frequency attached by ClinVar (database versions not stated): TOPMed 0.00014; ESP Exome Variant Server 0.00015; 1000 Genomes Project 30x 0.00016; gnomAD 0.00016 and 0.00017; 1000 Genomes Project 0.00020.
gnomAD v4.1: 53 of 1,614,092 alleles (0.0033%); highest among the groups gnomAD compares: African/African-American, 0.049%; no homozygotes.

Submissions (4):

Labcorp Genetics (formerly Invitae), Labcorp
Classification: Likely benign for Cryopyrin associated periodic syndrome. Last evaluated: 2025-08-11. Review status: criteria provided, single submitter. Criteria: Invitae Variant Classification Sherloc (09022015). Collection method: clinical testing. Allele origin: germline.

Fulgent Genetics
Classification: Likely benign for Familial cold autoinflammatory syndrome 1; Keratitis fugax hereditaria; Familial amyloid nephropathy with urticaria AND deafness; Chronic infantile neurological, cutaneous and articular syndrome; Hearing loss, autosomal dominant 34, with or without inflammation. Last evaluated: 2024-06-10. Review status: criteria provided, single submitter. Criteria: ACMG Guidelines, 2015. Collection method: clinical testing. Allele origin: germline.

Blueprint Genetics
Classification: Likely benign. Last evaluated: 2024-02-06. Review status: criteria provided, single submitter. Criteria: ACMG Guidelines, 2015. Collection method: clinical testing. Allele origin: germline.

GeneDx
Classification: Uncertain significance. Last evaluated: 2013-08-05. Review status: criteria provided, single submitter. Criteria: GeneDx Variant Classification (06012015). Collection method: clinical testing. Allele origin: germline. Affected: yes.
Comment: To our knowledge, the A873T missense substitution has neither been published as a mutation, nor as a benign polymorphism. A873T represents a semi-conservative substitution between two uncharged amino acids as a non-polar Alanine residue is replaced with a polar Threonine residue at a position that is not well conserved. The NHLBI ESP Exome Variant Server reports that A873T was not observed at any significant frequency in individuals of African American or European backgrounds, indicating it is not a common benign variant in these populations. Therefore, the clinical significance of A873T is unclear at this time